The following is an entry in ClinVar:

NM_003105.6(SORL1):c.2980A>T (p.Met994Leu)

Gene: SORL1 (sortilin related receptor 1; plus strand). Cytogenetic location: 11q24.1.
Variant type: single nucleotide variant.
Coding change: c.2980A>T on transcript NM_003105.6 (MANE Select); coding-DNA position 2980, A replaced by T.
Protein change: p.Met994Leu; replaces methionine 994 with leucine.
Molecular consequence: missense variant.
Genome position (GRCh38, 1-based): chr11:121,559,588, A>T. VCF-style: chr11-121559588-A-T. GRCh37 (hg19) VCF-style: chr11-121430297-A-T.
Other names: c.2980A>T (NM_003105.5); short protein forms M994L.
Identifiers: ClinVar variation 2416707 (VCV002416707.7), dbSNP rs375901324, ClinGen allele CA6329106.
Genomic context (GRCh38, chr11:121,559,588, plus strand): 5'-TACTGGGATGACTGGTCACAGCTCAGCATATTCCGAGCTTCCAAATACAGTGGGTCCCAG[A>T]TGGAGATTCTGGCAAACCAGCTCACGGGGCTCATGGACATGAAGATTTTCTACAAGGGGA-3'
Protein context (NP_003096.2, residues 984-1004): FRASKYSGSQ[Met994Leu]EILANQLTGL

ClinVar aggregate classification (germline): Uncertain significance. Review status: criteria provided, multiple submitters, no conflicts (2 of 4 stars). 2 submissions from 2 submitters: Uncertain significance (2). Last evaluated 2025-07-22.

Allele frequency attached by ClinVar (database versions not stated): gnomAD exomes 0.00001; ExAC 0.00002; gnomAD 0.00006; ESP Exome Variant Server 0.00015.
gnomAD v4.1: 19 of 1,614,036 alleles (0.0012%); highest among the groups gnomAD compares: African/African-American, 0.012%; no homozygotes.

Submissions (2):

Labcorp Genetics (formerly Invitae), Labcorp
Classification: Uncertain significance. Last evaluated: 2025-07-22. Review status: criteria provided, single submitter. Criteria: Invitae Variant Classification Sherloc (09022015). Collection method: clinical testing. Allele origin: germline.
Comment: This sequence change replaces methionine, which is neutral and non-polar, with leucine, which is neutral and non-polar, at codon 994 of the SORL1 protein (p.Met994Leu). This variant is present in population databases (rs375901324, gnomAD 0.02%). This variant has not been reported in the literature in individuals affected with SORL1-related conditions. ClinVar contains an entry for this variant (Variation ID: 2416707). An algorithm developed to predict the effect of missense changes on protein structure and function (PolyPhen-2) suggests that this variant is likely to be tolerated. In summary, the available evidence is currently insufficient to determine the role of this variant in disease. Therefore, it has been classified as a Variant of Uncertain Significance.

Ambry Genetics
Classification: Uncertain significance. Last evaluated: 2024-11-09. Review status: criteria provided, single submitter. Criteria: Ambry Variant Classification Scheme 2023. Collection method: clinical testing. Allele origin: germline.